The following is an entry in ClinVar:

ClinVar aggregate classification (germline): Likely pathogenic (3 of 4 stars; one submission).

Conditions:
Glanzmann thrombasthenia. Also called: PLATELET GLYCOPROTEIN IIb-IIIa DEFICIENCY; BLEEDING DISORDER, PLATELET-TYPE, 2; THROMBASTHENIA OF GLANZMANN AND NAEGELI; Thrombasthenia; Glanzmann's thrombasthenia. Identifiers: Orphanet 849, MedGen C0040015, MONDO:0100326.

Allele frequency attached by ClinVar (database versions not stated): gnomAD exomes below 0.00001; ExAC 0.00001.
gnomAD v4.1: 1 of 1,613,658 alleles (0.000062%); highest among the groups gnomAD compares: South Asian, 0.0011%; no homozygotes.

Submission:

ClinGen Platelet Disorders Variant Curation Expert Panel, ClinGen
Classification: Likely pathogenic for Glanzmann thrombasthenia. Last evaluated: 2025-05-01. Review status: reviewed by expert panel. Criteria: ClinGen Platelet ACMG Specifications v2-1. Collection method: curation. Allele origin: germline. Inheritance: Autosomal recessive inheritance.
Comment: The missense variant NM_000419.5(ITGA2B):c.475G>A (p.Gly159Ser has been identified in at least one patient UPN 2 (PMID: 16359515; PMID: 16359515) reported to have GT. The patient is homozygous for Gly159Ser (PM3_supporting). The highest population minor allele frequency in gnomAD v4.1 is 0.00001098 (1/91082 alleles) in the South Asian population, which is lower than the ClinGen PD VCEP threshold (<0.0001; PM2_Supporting). The computational predictor REVEL gives a score of 0.735, which is above the ClinGen PD VCEP threshold of >0.7 and predicts a damaging effect on function (PP3).The highest population minor allele frequency in gnomAD v2.1.1 is 0.00003267 (1/30606 alleles) in the South Asian population, which is lower than the ClinGen PD VCEP threshold (<0.0001; PM2_Supporting). In HEK 293 cells there was expression on 52% of cells transfected with normal αIIb and β3 and 0% of cells with Gly159Ser were positive. Furthermore, immunoblotting from cell lysates found mature αIIb was seen in the normal αIIbβ3 cells, but there was no detectable mature αIIb in the G159S mutant (PMID: 16359515; PS3). In summary this variant meets criteria to be classified as Likely Pathogenic for autosomal recessive Glanzmann Thrombasthenia based on the ACMG/AMP criteria applied, as specified by the ClinGen PD VCEP: PP3, PM2_supporting, PM3_supporting, PS3 (VCEP specifications version 2.1).

NM_000419.5(ITGA2B):c.475G>A (p.Gly159Ser)

Gene: ITGA2B (integrin subunit alpha 2b; minus strand). Cytogenetic location: 17q21.31.
Variant type: single nucleotide variant.
Coding change: c.475G>A on transcript NM_000419.5 (MANE Select); coding-DNA position 475, G replaced by A.
Protein change: p.Gly159Ser; replaces glycine 159 with serine.
Molecular consequence: missense variant.
Genome position (GRCh38, 1-based): chr17:44,385,650, C>T on the plus strand (G>A on the coding strand, the complement: ITGA2B is on the minus strand). VCF-style: chr17-44385650-C-T. GRCh37 (hg19) VCF-style: chr17-42463018-C-T.
Other names: NM_000419.5:c.475G>A; short protein forms G159S.
Identifiers: ClinVar variation 1879033 (VCV001879033.2), dbSNP rs773089115, ClinGen allele CA8603454.
Genomic context (GRCh38, chr17:44,385,650, plus strand): 5'-CGCGACAGGGGGAGTACTCGGCGCGGCGGCCGCTCTCTGGCTGAGCCAAAAAGCAGCTAC[C>T]TACGGGCGTCTTCTCAGCCTCCTCAGTCTTTTCTAGGACGTTCCAGTGCTGCCAGGGGGC-3'
Protein context (NP_000410.2, residues 149-169): KTEEAEKTPV[Gly159Ser]SCFLAQPESG